The following is an entry in ClinVar:

NM_001204.7(BMPR2):c.1249T>C (p.Phe417Leu)

Gene: BMPR2 (bone morphogenetic protein receptor type 2; plus strand). Cytogenetic location: 2q33.2.
Variant type: single nucleotide variant.
Coding change: c.1249T>C on transcript NM_001204.7 (MANE Select); coding-DNA position 1249, T replaced by C.
Protein change: p.Phe417Leu; replaces phenylalanine 417 with leucine.
Molecular consequence: missense variant.
Genome position (GRCh38, 1-based): chr2:202,532,705, T>C. VCF-style: chr2-202532705-T-C. GRCh37 (hg19) VCF-style: chr2-203397428-T-C.
Other names: short protein forms F417L.
Identifiers: ClinVar variation 3992139 (VCV003992139.1).
Genomic context (GRCh38, chr2:202,532,705, plus strand): 5'-TGTGAATCAGCTTTGAAACAAGTAGACATGTATGCTCTTGGACTAATCTATTGGGAGATA[T>C]TTATGAGATGTACAGACCTCTTCCCAGGTAAAAACTACTGTCAAAAGTTGATATTTTTTG-3'
Protein context (NP_001195.2, residues 407-427): YALGLIYWEI[Phe417Leu]MRCTDLFPGE

ClinVar aggregate classification (germline): Uncertain significance (1 of 4 stars; one submission).

Conditions:
Inborn genetic diseases. Identifiers: MedGen C0950123, MeSH D030342.

gnomAD v4.1: 15 of 1,613,488 alleles (0.00093%); highest among the groups gnomAD compares: Non-Finnish European, 0.0013%; no homozygotes.

Submission:

Ambry Genetics
Classification: Uncertain significance for Inborn genetic diseases. Last evaluated: 2025-04-28. Review status: criteria provided, single submitter. Criteria: Ambry Variant Classification Scheme 2023. Collection method: clinical testing. Allele origin: germline.
Comment: The p.F417L variant (also known as c.1249T>C), located in coding exon 9 of the BMPR2 gene, results from a T to C substitution at nucleotide position 1249. The phenylalanine at codon 417 is replaced by leucine, an amino acid with highly similar properties. This amino acid position is conserved. In addition, this alteration is predicted to be deleterious by in silico analysis. Based on the available evidence, the clinical significance of this variant remains unclear.